The following is an entry in ClinVar:

ClinVar aggregate classification (germline): Uncertain significance (1 of 4 stars; one submission).

Conditions:
Cholestanol storage disease (CTX). Also called: CTX: Cerebrotendinous xanthomatosis; CEREBRAL CHOLESTERINOSIS; Cerebrotendinous Xanthomatosis. Identifiers: Orphanet 909, MedGen C0238052, MONDO:0008948, OMIM 213700.

Allele frequency attached by ClinVar (database versions not stated): gnomAD exomes below 0.00001; ExAC 0.00002.
gnomAD v4.1: 3 of 1,614,208 alleles (0.00019%); highest among the groups gnomAD compares: South Asian, 0.0033%; no homozygotes.

Submission:

Labcorp Genetics (formerly Invitae), Labcorp
Classification: Uncertain significance for Cholestanol storage disease. Last evaluated: 2022-06-20. Review status: criteria provided, single submitter. Criteria: Invitae Variant Classification Sherloc (09022015). Collection method: clinical testing. Allele origin: germline.
Comment: In summary, the available evidence is currently insufficient to determine the role of this variant in disease. Therefore, it has been classified as a Variant of Uncertain Significance. Advanced modeling of protein sequence and biophysical properties (such as structural, functional, and spatial information, amino acid conservation, physicochemical variation, residue mobility, and thermodynamic stability) performed at Invitae indicates that this missense variant is expected to disrupt CYP27A1 protein function. This variant has not been reported in the literature in individuals affected with CYP27A1-related conditions. This variant is present in population databases (rs753166698, gnomAD 0.006%). This sequence change replaces proline, which is neutral and non-polar, with serine, which is neutral and polar, at codon 446 of the CYP27A1 protein (p.Pro446Ser).

NM_000784.4(CYP27A1):c.1336C>T (p.Pro446Ser)

Gene: CYP27A1 (cytochrome P450 family 27 subfamily A member 1; plus strand). Cytogenetic location: 2q35.
Variant type: single nucleotide variant.
Coding change: c.1336C>T on transcript NM_000784.4 (MANE Select); coding-DNA position 1336, C replaced by T.
Protein change: p.Pro446Ser; replaces proline 446 with serine.
Molecular consequence: missense variant.
Genome position (GRCh38, 1-based): chr2:218,814,617, C>T. VCF-style: chr2-218814617-C-T. GRCh37 (hg19) VCF-style: chr2-219679340-C-T.
Other names: short protein forms P446S.
Identifiers: ClinVar variation 1979131 (VCV001979131.4), dbSNP rs753166698, ClinGen allele CA2112877.